The following is an entry in ClinVar:

NM_001123385.2(BCOR):c.1637G>A (p.Arg546His)

Gene: BCOR (BCL6 corepressor; minus strand). Cytogenetic location: Xp11.4.
Variant type: single nucleotide variant.
Coding change: c.1637G>A on transcript NM_001123385.2 (MANE Select); coding-DNA position 1637, G replaced by A.
Protein change: p.Arg546His; replaces arginine 546 with histidine.
Molecular consequence: missense variant.
Genome position (GRCh38, 1-based): chrX:40,073,709, C>T on the plus strand (G>A on the coding strand, the complement: BCOR is on the minus strand). VCF-style: chrX-40073709-C-T. GRCh37 (hg19) VCF-style: chrX-39932962-C-T.
Other names: c.1637G>A, p.Arg546His (NM_017745.6, NM_001123383.2, NM_001123384.2); short protein forms R546H.
Identifiers: ClinVar variation 3901402 (VCV003901402.1).
Genomic context (GRCh38, chrX:40,073,709, plus strand): 5'-CGGCCTGCACTCGACACTGACCCTGAAACGTTAGTGATGACAGCATCGGTGCCGCCCATG[C>T]GCGGGCATGATGAACTCCGCTGCTGTGGTATCGCCCAGTCCAATGCCTTGTTTTTCAGCG-3'
Protein context (NP_001116857.1, residues 536-556): IPQQRSSSCP[Arg546His]MGGTDAVITN

ClinVar aggregate classification (germline): Uncertain significance (1 of 4 stars; one submission).

gnomAD v4.1: 1 of 1,212,561 alleles (0.000082%); highest among the groups gnomAD compares: Non-Finnish European, 0.00011%; no homozygotes.

Submission:

GeneDx
Classification: Uncertain significance. Last evaluated: 2024-12-05. Review status: criteria provided, single submitter. Criteria: GeneDx Variant Classification Process June 2021. Collection method: clinical testing. Allele origin: germline. Affected: yes.
Comment: Not observed at significant frequency in large population cohorts (gnomAD); In silico analysis supports that this missense variant has a deleterious effect on protein structure/function; Has not been previously published as pathogenic or benign to our knowledge